The following is an entry in ClinVar:

ClinVar aggregate classification (germline): Conflicting classifications of pathogenicity. Review status: criteria provided, conflicting classifications (1 of 4 stars). 3 submissions from 3 submitters: Uncertain significance (2); Likely benign (1). Last evaluated 2025-11-02.

Conditions:
DMXL2-related disorder. Also called: DMXL2-related condition.
Inborn genetic diseases. Identifiers: MedGen C0950123, MeSH D030342.

Allele frequency attached by ClinVar (database versions not stated): gnomAD 0.00007 and 0.00009; ExAC 0.00008; gnomAD exomes 0.00008; TOPMed 0.00011.
gnomAD v4.1: 402 of 1,613,912 alleles (0.025%); highest among the groups gnomAD compares: Non-Finnish European, 0.033%; no homozygotes.

Submissions (3):

PreventionGenetics, part of Exact Sciences
Classification: Uncertain significance for DMXL2-related condition. Last evaluated: 2025-11-02. Review status: criteria provided, single submitter. Criteria: ACMG Guidelines, 2015. Collection method: clinical testing. Allele origin: germline.
Comment: The DMXL2 c.9100C>T variant is predicted to result in the amino acid substitution p.Leu3034Phe. To our knowledge, this variant has not been reported in the literature. This variant is reported in 0.016% of alleles in individuals of European (Non-Finnish) descent in gnomAD. At this time, the clinical significance of this variant is uncertain due to the absence of conclusive functional and genetic evidence.

Ambry Genetics
Classification: Likely benign for Inborn genetic diseases. Last evaluated: 2025-03-24. Review status: criteria provided, single submitter. Criteria: Ambry Variant Classification Scheme 2023. Collection method: clinical testing. Allele origin: germline.

Labcorp Genetics (formerly Invitae), Labcorp
Classification: Uncertain significance. Last evaluated: 2023-12-14. Review status: criteria provided, single submitter. Criteria: Invitae Variant Classification Sherloc (09022015). Collection method: clinical testing. Allele origin: germline.
Comment: This sequence change replaces leucine, which is neutral and non-polar, with phenylalanine, which is neutral and non-polar, at codon 3034 of the DMXL2 protein (p.Leu3034Phe). This variant is present in population databases (rs139139263, gnomAD 0.01%). This variant has not been reported in the literature in individuals affected with DMXL2-related conditions. ClinVar contains an entry for this variant (Variation ID: 1430195). Algorithms developed to predict the effect of missense changes on protein structure and function output the following: SIFT: "Not Available"; PolyPhen-2: "Benign"; Align-GVGD: "Not Available". The phenylalanine amino acid residue is found in multiple mammalian species, which suggests that this missense change does not adversely affect protein function. In summary, the available evidence is currently insufficient to determine the role of this variant in disease. Therefore, it has been classified as a Variant of Uncertain Significance.

NM_001378457.1(DMXL2):c.9163C>T (p.Leu3055Phe)

Gene: DMXL2 (Dmx like 2; minus strand). Cytogenetic location: 15q21.2.
Variant type: single nucleotide variant.
Coding change: c.9163C>T on transcript NM_001378457.1 (MANE Select); coding-DNA position 9163, C replaced by T.
Protein change: p.Leu3055Phe; replaces leucine 3055 with phenylalanine.
Molecular consequence: missense variant. On other transcripts: non-coding transcript variant (2).
Genome position (GRCh38, 1-based): chr15:51,448,998, G>A on the plus strand (C>T on the coding strand, the complement: DMXL2 is on the minus strand). VCF-style: chr15-51448998-G-A. GRCh37 (hg19) VCF-style: chr15-51741195-G-A.
Other names: c.9100C>T, p.Leu3034Phe (NM_001174116.3); c.7189C>T, p.Leu2397Phe (NM_001174117.3); c.9160C>T, p.Leu3054Phe (NM_001378458.1); c.8875C>T, p.Leu2959Phe (NM_001378459.1); c.7078C>T, p.Leu2360Phe (NM_001378460.1); c.9097C>T, p.Leu3033Phe (NM_015263.5); c.9100C>T (NM_001174116.1); short protein forms L2397F, L3055F, L2360F, L3033F, L3034F, L3054F, L2959F.
Identifiers: ClinVar variation 1430195 (VCV001430195.9), dbSNP rs139139263, ClinGen allele CA7560808.
Genomic context (GRCh38, chr15:51,448,998, plus strand): 5'-AGTGTGCCTTTTAACTGAAATGTATATAAAAATAAAACCCCAATCTTTATAGAATGTCAA[G>A]AATTCTGTTAGGGATGTTAAAAGCATTGGGCAAAACCCTGGTTTTCAGCGTGCCATCTGC-3'
Protein context (NP_001365386.1, residues 3045-3058): PNAFNIPNRI[Leu3055Phe]DIL